The following is an entry in ClinVar:

ClinVar aggregate classification (germline): Uncertain significance. Review status: criteria provided, single submitter (1 of 4 stars). 2 submissions from 2 submitters: Uncertain significance (1). 1 of the submissions does not count toward it. Last evaluated 2024-08-02.

Conditions:
Renal tubular acidosis with progressive nerve deafness. Also called: Distal Renal Tubular Acidosis with Progressive Sensorineural Deafness; RENAL TUBULAR ACIDOSIS, AUTOSOMAL RECESSIVE, WITH PROGRESSIVE NERVE DEAFNESS; RTA WITH PROGRESSIVE NERVE DEAFNESS; renal tubular acidosis, distal, 2, with progressive sensorineural hearing loss. Identifiers: MedGen C0403554, MONDO:0009968, OMIM 267300.

Allele frequency attached by ClinVar (database versions not stated): gnomAD exomes 0.00001 and 0.00002; ExAC 0.00002; TOPMed 0.00006; ESP Exome Variant Server 0.00008; gnomAD 0.00008 and 0.00009.
gnomAD v4.1: 29 of 1,614,090 alleles (0.0018%); highest among the groups gnomAD compares: African/African-American, 0.0067%; no homozygotes.

Submissions (2):

GeneDx
Classification: Uncertain significance. Last evaluated: 2024-08-02. Review status: criteria provided, single submitter. Criteria: GeneDx Variant Classification Process June 2021. Collection method: clinical testing. Allele origin: germline. Affected: yes.
Comment: Not observed at significant frequency in large population cohorts (gnomAD); In silico analysis supports that this missense variant has a deleterious effect on protein structure/function; Has not been previously published as pathogenic or benign to our knowledge

Natera, Inc.
Classification: Uncertain significance for Renal tubular acidosis with progressive nerve deafness. Last evaluated: 2021-10-05. Review status: no assertion criteria provided. Collection method: clinical testing. Allele origin: germline. Not counted in ClinVar's aggregate classification.

NM_001692.4(ATP6V1B1):c.752T>G (p.Val251Gly)

Gene: ATP6V1B1 (ATPase H+ transporting V1 subunit B1; plus strand). Cytogenetic location: 2p13.3.
Variant type: single nucleotide variant.
Coding change: c.752T>G on transcript NM_001692.4 (MANE Select); coding-DNA position 752, T replaced by G.
Protein change: p.Val251Gly; replaces valine 251 with glycine.
Molecular consequence: missense variant.
Genome position (GRCh38, 1-based): chr2:70,961,660, T>G. VCF-style: chr2-70961660-T-G. GRCh37 (hg19) VCF-style: chr2-71188790-T-G.
Other names: short protein forms V251G.
Identifiers: ClinVar variation 1254479 (VCV001254479.4), dbSNP rs370481432, ClinGen allele CA1701149.